The following is an entry in ClinVar:

ClinVar aggregate classification (germline): Conflicting classifications of pathogenicity. Review status: criteria provided, conflicting classifications (1 of 4 stars). 4 submissions from 4 submitters: Uncertain significance (2); Likely benign (2). Last evaluated 2026-01-14.

Conditions:
Distal myopathy with posterior leg and anterior hand involvement. Also called: WILLIAMS DISTAL MYOPATHY. Identifiers: Orphanet 63273, MedGen C3279722, MONDO:0013550, OMIM 614065.
Myofibrillar myopathy 5. Also called: Filaminopathy (type); FILAMINOPATHY, AUTOSOMAL DOMINANT. Identifiers: Orphanet 171445, MedGen C1836050, MONDO:0012289, OMIM 609524.
Hypertrophic cardiomyopathy 26. Also called: Cardiomyopathy, familial hypertrophic, 26. Identifiers: Orphanet 75249, MedGen C4310749, MONDO:0014883, OMIM 617047.
Cardiovascular phenotype. Identifiers: MedGen CN230736.

Allele frequency attached by ClinVar (database versions not stated): ExAC 0.00002; gnomAD 0.00002; gnomAD exomes 0.00002 and 0.00004; TOPMed 0.00002; ESP Exome Variant Server 0.00008.
gnomAD v4.1: 28 of 1,611,406 alleles (0.0017%); highest among the groups gnomAD compares: South Asian, 0.0011%; no homozygotes.

Submissions (4):

Labcorp Genetics (formerly Invitae), Labcorp
Classification: Likely benign for Distal myopathy with posterior leg and anterior hand involvement; Myofibrillar myopathy 5; Hypertrophic cardiomyopathy 26. Last evaluated: 2026-01-14. Review status: criteria provided, single submitter. Criteria: Invitae Variant Classification Sherloc (09022015). Collection method: clinical testing. Allele origin: germline.

Ambry Genetics
Classification: Likely benign for Cardiovascular phenotype. Last evaluated: 2024-05-23. Review status: criteria provided, single submitter. Criteria: Ambry Variant Classification Scheme 2023. Collection method: clinical testing. Allele origin: germline.

Department of Pathology and Laboratory Medicine, Sinai Health System
Classification: Uncertain significance for Myofibrillar myopathy 5; Distal myopathy with posterior leg and anterior hand involvement; Hypertrophic cardiomyopathy 26. Last evaluated: 2022-03-31. Review status: criteria provided, single submitter. Criteria: ACMG Guidelines, 2015. Collection method: research. Allele origin: germline.

GeneDx
Classification: Uncertain significance. Last evaluated: 2021-08-03. Review status: criteria provided, single submitter. Criteria: GeneDx Variant Classification Process June 2021. Collection method: clinical testing. Allele origin: germline. Affected: yes.
Comment: Identified in a patient with dilated cardiomyopathy in the published literature (Ader et al., 2018); Reported in ClinVar as a variant of uncertain significance (ClinVar Variant ID# 472152; Landrum et al., 2016); In silico analysis, which includes protein predictors and evolutionary conservation, supports a deleterious effect This variant is associated with the following publications: (PMID: 30418145)

Literature cited by the submitters: PubMed 30418145 (cited by Ambry Genetics); PubMed 35470680 (cited by Ambry Genetics).

NM_001458.5(FLNC):c.6923C>T (p.Pro2308Leu)

Genes: FLNC-AS1 (FLNC antisense RNA 1; minus strand), FLNC (filamin C; plus strand). Cytogenetic location: 7q32.1.
Variant type: single nucleotide variant.
Coding change: c.6923C>T on transcript NM_001458.5 (MANE Select); coding-DNA position 6923, C replaced by T.
Protein change: p.Pro2308Leu; replaces proline 2308 with leucine.
Molecular consequence: missense variant.
Genome position (GRCh38, 1-based): chr7:128,854,608, C>T. VCF-style: chr7-128854608-C-T. GRCh37 (hg19) VCF-style: chr7-128494662-C-T.
Other names: c.6824C>T, p.Pro2275Leu (NM_001127487.2); short protein forms P2308L, P2275L.
Identifiers: ClinVar variation 472152 (VCV000472152.18), dbSNP rs369250297, ClinGen allele CA4476114.